The following is an entry in ClinVar:

NM_174936.4(PCSK9):c.1422C>T (p.Val474=)

Gene: PCSK9 (proprotein convertase subtilisin/kexin type 9; plus strand). Cytogenetic location: 1p32.3.
Variant type: single nucleotide variant.
Coding change: c.1422C>T on transcript NM_174936.4 (MANE Select); coding-DNA position 1422, C replaced by T.
Protein change: p.Val474=; no amino-acid change (valine 474 retained).
Molecular consequence: synonymous variant. On other transcripts: non-coding transcript variant (8), intron variant (1).
Genome position (GRCh38, 1-based): chr1:55,058,566, C>T. VCF-style: chr1-55058566-C-T. GRCh37 (hg19) VCF-style: chr1-55524239-C-T.
Other names: c.1545C>T, p.Val515= (NM_001407240.1); c.1422C>T, p.Val474= (NM_001407241.1); c.1425C>T, p.Val475= (NM_001407242.1); c.1365C>T, p.Val455= (NM_001407243.1); c.1248C>T, p.Val416= (NM_001407244.1); c.1230C>T, p.Val410= (NM_001407245.1); c.1047C>T, p.Val349= (NM_001407246.1); c.1180+1052C>T (NM_001407247.1).
Identifiers: ClinVar variation 1141576 (VCV001141576.16), dbSNP rs373517174, ClinGen allele CA036918.
Genomic context (GRCh38, chr1:55,058,566, plus strand): 5'-GCTGTTTTGCAGGACTGTATGGTCAGCACACTCGGGGCCTACACGGATGGCCACAGCCGT[C>T]GCCCGCTGCGCCCCAGATGAGGAGCTGCTGAGCTGCTCCAGTTTCTCCAGGAGTGGGAAG-3'
Protein context (NP_777596.2, residues 464-484): HSGPTRMATA[Val474=]ARCAPDEELL

ClinVar aggregate classification (germline): Likely benign. Review status: criteria provided, multiple submitters, no conflicts (2 of 4 stars). 7 submissions from 7 submitters: Likely benign (7). Last evaluated 2025-09-16.

Conditions:
Cardiovascular phenotype. Identifiers: MedGen CN230736.
Hypercholesterolemia, autosomal dominant, 3 (FHCL3). Also called: Familial Hypercholesterolemia, Autosomal Dominant, 3; Familial hypercholesterolemia 3; PCSK9-Related Familial Hypercholesterolemia, Autosomal Dominant. Identifiers: MedGen C1863551, MONDO:0011369, OMIM 603776.
Familial hypercholesterolemia. Also called: Familial hypercholesterolemias; Familial hypercholesterolaemia. Identifiers: MedGen C0020445, MONDO:0005439.

Allele frequency attached by ClinVar (database versions not stated): gnomAD 0.00001; TOPMed 0.00002; ExAC 0.00004; ESP Exome Variant Server 0.00008.
gnomAD v4.1: 28 of 1,611,980 alleles (0.0017%); highest among the groups gnomAD compares: South Asian, 0.0044%; no homozygotes.

Submissions (7):

Labcorp Genetics (formerly Invitae), Labcorp
Classification: Likely benign for Hypercholesterolemia, autosomal dominant, 3. Last evaluated: 2025-09-16. Review status: criteria provided, single submitter. Criteria: Invitae Variant Classification Sherloc (09022015). Collection method: clinical testing. Allele origin: germline.

Blueprint Genetics
Classification: Likely benign. Last evaluated: 2024-04-10. Review status: criteria provided, single submitter. Criteria: ACMG Guidelines, 2015. Collection method: clinical testing. Allele origin: germline.

All of Us Research Program, National Institutes of Health
Classification: Likely benign for Hypercholesterolemia, autosomal dominant, 3. Last evaluated: 2023-10-02. Review status: criteria provided, single submitter. Criteria: ACMG Guidelines, 2015. Collection method: clinical testing. Allele origin: germline. Inheritance: Autosomal dominant inheritance. Observed: 4 variant alleles, 4 heterozygotes.
Comment: This study involves interpretation of variants in research participants for the purpose of population health screening. Participant phenotype was not available at the time of variant classification. Additional details can be found in publication PMID: 35346344, PMCID: PMC8962531

GENinCode PLC
Classification: Likely benign for Familial hypercholesterolemia. Last evaluated: 2023-05-29. Review status: criteria provided, single submitter. Criteria: ACMG Guidelines, 2015. Collection method: clinical testing. Allele origin: germline.
Comment: This is a synonymous (silent) variant that is not predicted by SpliceAI to impact splicing. In addition, it occurs at a nucleotide that is not conserved. Therefore this variant has been classified as Likely Benign (BP4, BP7).

Color Diagnostics, LLC DBA Color Health
Classification: Likely benign for Familial hypercholesterolemia. Last evaluated: 2022-11-17. Review status: criteria provided, single submitter. Criteria: ACMG Guidelines, 2015. Collection method: clinical testing. Allele origin: germline.

Fulgent Genetics
Classification: Likely benign for Hypercholesterolemia, autosomal dominant, 3. Last evaluated: 2021-10-11. Review status: criteria provided, single submitter. Criteria: ACMG Guidelines, 2015. Collection method: clinical testing. Allele origin: unknown.

Ambry Genetics
Classification: Likely benign for Cardiovascular phenotype. Last evaluated: 2019-12-18. Review status: criteria provided, single submitter. Criteria: Ambry Variant Classification Scheme 2023. Collection method: clinical testing. Allele origin: germline.